The following is an entry in ClinVar:

NM_001164508.2(NEB):c.24084_24085del (p.Arg8028fs)

Genes: NEB (nebulin; minus strand), RIF1 (replication timing regulatory factor 1; plus strand). Cytogenetic location: 2q23.3.
Variant type: Microsatellite.
Coding change: c.24084_24085del on transcript NM_001164508.2 (MANE Select); coding-DNA positions 24084 to 24085, 2 bases deleted (AG; older notation c.24084_24085delAG).
Protein change: p.Arg8028fs; shifts the reading frame from arginine 8028.
Molecular consequence: frameshift variant. On other transcripts: intron variant (1).
Genome position (GRCh38, 1-based): chr2:151,499,327-151,499,328, CT deleted on the plus strand (AG on the coding strand, the reverse complement: NEB is on the minus strand); deleting any 2 consecutive bases within chr2:151,499,327-151,499,333 gives the same sequence; the c. name uses the placement nearest the transcript's 3' end. VCF-style (leftmost placement, unchanged base first): chr2-151499326-ACT-A. GRCh37 (hg19) VCF-style: chr2-152355840-ACT-A.
Other names: c.24084_24085del, p.Arg8028fs (NM_001164507.2); c.24189_24190del, p.Arg8063fs (NM_001271208.2); c.18826-2964AG[2] (NM_004543.5); short protein forms R8063fs, R8028fs.
Identifiers: ClinVar variation 2029038 (VCV002029038.4), dbSNP rs2551888897, ClinGen allele CA645529422.

ClinVar aggregate classification (germline): Pathogenic (1 of 4 stars; one submission).

Conditions:
Nemaline myopathy 2 (NEM2). Also called: Nemaline myopathy 2, autosomal recessive. Identifiers: MedGen C1850569, MONDO:0009725, OMIM 256030.

Submission:

Labcorp Genetics (formerly Invitae), Labcorp
Classification: Pathogenic for Nemaline myopathy 2. Last evaluated: 2023-11-11. Review status: criteria provided, single submitter. Criteria: Invitae Variant Classification Sherloc (09022015). Collection method: clinical testing. Allele origin: germline.
Comment: This sequence change creates a premature translational stop signal (p.Arg8063Serfs*9) in the NEB gene. It is expected to result in an absent or disrupted protein product. Loss-of-function variants in NEB are known to be pathogenic (PMID: 25205138). This variant is not present in population databases (gnomAD no frequency). This variant has not been reported in the literature in individuals affected with NEB-related conditions. Algorithms developed to predict the effect of sequence changes on RNA splicing suggest that this variant may disrupt the consensus splice site. For these reasons, this variant has been classified as Pathogenic.

Literature cited by the submitters: PubMed 25205138.